The following is an entry in ClinVar:

NM_020163.3(SEMA3G):c.1672C>T (p.Arg558Trp)

Gene: SEMA3G (semaphorin 3G; minus strand). Cytogenetic location: 3p21.1.
Variant type: single nucleotide variant.
Coding change: c.1672C>T on transcript NM_020163.3 (MANE Select); coding-DNA position 1672, C replaced by T.
Protein change: p.Arg558Trp; replaces arginine 558 with tryptophan.
Molecular consequence: missense variant.
Genome position (GRCh38, 1-based): chr3:52,438,037, G>A on the plus strand (C>T on the coding strand, the complement: SEMA3G is on the minus strand). VCF-style: chr3-52438037-G-A. GRCh37 (hg19) VCF-style: chr3-52472053-G-A.
Other names: c.1672C>T (NM_020163.2); short protein forms R558W.
Identifiers: ClinVar variation 2510326 (VCV002510326.5), dbSNP rs375332957, ClinGen allele CA2437853.

ClinVar aggregate classification (germline): Uncertain significance. Review status: criteria provided, single submitter (1 of 4 stars). 2 submissions from 2 submitters: Uncertain significance (1). 1 of the submissions does not count toward it. Last evaluated 2025-11-20.

Conditions:
SEMA3G-related disorder. Also called: SEMA3G-related condition.

Allele frequency attached by ClinVar (database versions not stated): TOPMed 0.00005; gnomAD exomes 0.00002; ExAC 0.00003; gnomAD 0.00004; 1000 Genomes Project 0.00020; 1000 Genomes Project 30x 0.00031; ESP Exome Variant Server 0.00008.
gnomAD v4.1: 40 of 1,613,152 alleles (0.0025%); highest among the groups gnomAD compares: East Asian, 0.0067%; no homozygotes.

Submissions (2):

Ambry Genetics
Classification: Uncertain significance. Last evaluated: 2025-11-20. Review status: criteria provided, single submitter. Criteria: Ambry Variant Classification Scheme 2023. Collection method: clinical testing. Allele origin: germline.

PreventionGenetics, part of Exact Sciences
Classification: Uncertain significance for SEMA3G-related condition. Last evaluated: 2024-05-28. Review status: no assertion criteria provided. Collection method: clinical testing. Allele origin: germline. Not counted in ClinVar's aggregate classification.
Comment: The SEMA3G c.1672C>T variant is predicted to result in the amino acid substitution p.Arg558Trp. To our knowledge, this variant has not been reported in the literature. This variant is reported in 0.016% of alleles in individuals of African descent in gnomAD. At this time, the clinical significance of this variant is uncertain due to the absence of conclusive functional and genetic evidence.